The following is an entry in ClinVar:

ClinVar aggregate classification (germline): Uncertain significance (1 of 4 stars; one submission).

Conditions:
ALG3-congenital disorder of glycosylation. Also called: CONGENITAL DISORDER OF GLYCOSYLATION, TYPE Id; ALG3-CDG; CDG Id; CARBOHYDRATE-DEFICIENT GLYCOPROTEIN SYNDROME, TYPE IV; CDGS, TYPE IV. Identifiers: Orphanet 79321, MedGen C1832736, MONDO:0010998, OMIM 601110.

Submission:

3billion
Classification: Uncertain significance for ALG3-congenital disorder of glycosylation. Last evaluated: 2024-11-25. Review status: criteria provided, single submitter. Criteria: ACMG Guidelines, 2015. Collection method: clinical testing. Allele origin: germline. Affected: yes.
Comment: The variant is not observed in the gnomAD v4.1.0 dataset. Predicted Consequence/Location: Missense variant In silico tool predictions suggest damaging effect of the variant on gene or gene product [REVEL: 0.96 (>=0.6, sensitivity 0.68 and specificity 0.92); 3Cnet: 0.95 (>=0.6, sensitivity 0.72 and precision 0.9)]. Different missense changes at the same codon have been reported as of uncertain significance (ClinVar ID: VCV000903315). Therefore, this variant is classified as VUS according to the recommendation of ACMG/AMP guideline.

NM_005787.6(ALG3):c.304G>C (p.Ala102Pro)

Gene: ALG3 (ALG3 alpha-1,3- mannosyltransferase; minus strand). Cytogenetic location: 3q27.1.
Variant type: single nucleotide variant.
Coding change: c.304G>C on transcript NM_005787.6 (MANE Select); coding-DNA position 304, G replaced by C.
Protein change: p.Ala102Pro; replaces alanine 102 with proline.
Molecular consequence: missense variant. On other transcripts: non-coding transcript variant (2).
Genome position (GRCh38, 1-based): chr3:184,245,608, C>G on the plus strand (G>C on the coding strand, the complement: ALG3 is on the minus strand). VCF-style: chr3-184245608-C-G. GRCh37 (hg19) VCF-style: chr3-183963396-C-G.
Other names: c.160G>C, p.Ala54Pro (NM_001006941.2); short protein forms A102P, A54P.
Identifiers: ClinVar variation 4292786 (VCV004292786.1).